The following is an entry in ClinVar:

ClinVar aggregate classification (germline): Uncertain significance (1 of 4 stars; one submission).

Submission:

GeneDx
Classification: Uncertain significance. Last evaluated: 2019-08-21. Review status: criteria provided, single submitter. Criteria: GeneDx Variant Classification Process June 2021. Collection method: clinical testing. Allele origin: germline. Affected: yes.
Comment: Not observed in large population cohorts (Lek et al., 2016); Canonical splice site variant expected to result in aberrant splicing, though splice outcome is unknown. In the absence of RNA/functional studies, the actual effect of this sequence change is unknown.; Has not been previously published as pathogenic or benign to our knowledge

NM_003079.5(SMARCE1):c.51+1G>T

Gene: SMARCE1 (SWI/SNF related, matrix associated, actin dependent regulator of chromatin, subfamily e, member 1; minus strand). Cytogenetic location: 17q21.2.
Variant type: single nucleotide variant.
Coding change: c.51+1G>T on transcript NM_003079.5 (MANE Select); the canonical splice donor site of the intron after coding-DNA position 51, G replaced by T.
Molecular consequence: splice donor variant.
Genome position (GRCh38, 1-based): chr17:40,645,575, C>A on the plus strand (G>T on the coding strand, the complement: SMARCE1 is on the minus strand). VCF-style: chr17-40645575-C-A. GRCh37 (hg19) VCF-style: chr17-38801827-C-A.
Identifiers: ClinVar variation 1308111 (VCV001308111.2), dbSNP rs2144015376, ClinGen allele CA399370893.